The following is an entry in ClinVar:

ClinVar aggregate classification (germline): Uncertain significance. Review status: criteria provided, multiple submitters, no conflicts (2 of 4 stars). 2 submissions from 2 submitters: Uncertain significance (2). Last evaluated 2025-09-18.

Conditions:
Primary dilated cardiomyopathy (DCM). Also called: Dilated Cardiomyopathy. Identifiers: Orphanet 217604, MedGen C0007193, MeSH D002311, MONDO:0005021, HP:0001644. Inheritance: Various modes of inheritance.
Cardiovascular phenotype. Identifiers: MedGen CN230736.

Allele frequency attached by ClinVar (database versions not stated): gnomAD 0.00001 and 0.00002; TOPMed 0.00003; gnomAD exomes 0.00007; ExAC 0.00010; 1000 Genomes Project 30x 0.00016.
gnomAD v4.1: 30 of 1,613,604 alleles (0.0019%); highest among the groups gnomAD compares: East Asian, 0.033%; no homozygotes.

Submissions (2):

Labcorp Genetics (formerly Invitae), Labcorp
Classification: Uncertain significance for Primary dilated cardiomyopathy. Last evaluated: 2025-09-18. Review status: criteria provided, single submitter. Criteria: Invitae Variant Classification Sherloc (09022015). Collection method: clinical testing. Allele origin: germline.
Comment: This sequence change replaces alanine, which is neutral and non-polar, with threonine, which is neutral and polar, at codon 429 of the TXNRD2 protein (p.Ala429Thr). This variant is present in population databases (rs767323099, gnomAD 0.08%), and has an allele count higher than expected for a pathogenic variant. This variant has not been reported in the literature in individuals affected with TXNRD2-related conditions. ClinVar contains an entry for this variant (Variation ID: 849540). Invitae Evidence Modeling of protein sequence and biophysical properties (such as structural, functional, and spatial information, amino acid conservation, physicochemical variation, residue mobility, and thermodynamic stability) indicates that this missense variant is not expected to disrupt TXNRD2 protein function with a negative predictive value of 80%. In summary, the available evidence is currently insufficient to determine the role of this variant in disease. Therefore, it has been classified as a Variant of Uncertain Significance.

Ambry Genetics
Classification: Uncertain significance for Cardiovascular phenotype. Last evaluated: 2024-06-04. Review status: criteria provided, single submitter. Criteria: Ambry Variant Classification Scheme 2023. Collection method: clinical testing. Allele origin: germline.
Comment: The p.A429T variant (also known as c.1285G>A), located in coding exon 15 of the TXNRD2 gene, results from a G to A substitution at nucleotide position 1285. The alanine at codon 429 is replaced by threonine, an amino acid with similar properties. This amino acid position is well conserved in available vertebrate species. In addition, the in silico prediction for this alteration is inconclusive. The evidence for this gene-disease relationship is limited; therefore, the clinical significance of this alteration is unclear.

NM_006440.5(TXNRD2):c.1285G>A (p.Ala429Thr)

Gene: TXNRD2 (thioredoxin reductase 2; minus strand). Cytogenetic location: 22q11.21.
Variant type: single nucleotide variant.
Coding change: c.1285G>A on transcript NM_006440.5 (MANE Select); coding-DNA position 1285, G replaced by A.
Protein change: p.Ala429Thr; replaces alanine 429 with threonine.
Molecular consequence: missense variant. On other transcripts: non-coding transcript variant (1).
Genome position (GRCh38, 1-based): chr22:19,878,428, C>T on the plus strand (G>A on the coding strand, the complement: TXNRD2 is on the minus strand). VCF-style: chr22-19878428-C-T. GRCh37 (hg19) VCF-style: chr22-19865951-C-T.
Other names: c.1282G>A, p.Ala428Thr (NM_001352300.2); c.1195G>A, p.Ala399Thr (NM_001352301.2); c.997G>A, p.Ala333Thr (NM_001352302.2); c.1285G>A (NM_006440.3); short protein forms A428T, A333T, A399T, A429T.
Identifiers: ClinVar variation 849540 (VCV000849540.11), dbSNP rs767323099, ClinGen allele CA10103707.